The following is an entry in ClinVar:

ClinVar aggregate classification (germline): Uncertain significance. Review status: criteria provided, multiple submitters, no conflicts (2 of 4 stars). 3 submissions from 3 submitters: Uncertain significance (3). Last evaluated 2026-09-02.

Conditions:
DMXL2-related disorder. Also called: DMXL2-related condition.
Inborn genetic diseases. Identifiers: MedGen C0950123, MeSH D030342.

Allele frequency attached by ClinVar (database versions not stated): gnomAD 0.00001; ExAC 0.00002; TOPMed 0.00003.
gnomAD v4.1: 53 of 1,613,772 alleles (0.0033%); highest among the groups gnomAD compares: Non-Finnish European, 0.0042%; no homozygotes.

Submissions (3):

PreventionGenetics, part of Exact Sciences
Classification: Uncertain significance for DMXL2-related condition. Last evaluated: 2026-09-02. Review status: criteria provided, single submitter. Criteria: ACMG Guidelines, 2015. Collection method: clinical testing. Allele origin: germline.
Comment: The DMXL2 c.8705A>C variant is predicted to result in the amino acid substitution p.His2902Pro. To our knowledge, this variant has not been reported in the literature. This variant is reported in 0.0040% of alleles in individuals of African descent in gnomAD. At this time, the clinical significance of this variant is uncertain due to the absence of conclusive functional and genetic evidence.

Ambry Genetics
Classification: Uncertain significance for Inborn genetic diseases. Last evaluated: 2024-01-23. Review status: criteria provided, single submitter. Criteria: Ambry Variant Classification Scheme 2023. Collection method: clinical testing. Allele origin: germline.

Labcorp Genetics (formerly Invitae), Labcorp
Classification: Uncertain significance. Last evaluated: 2022-08-16. Review status: criteria provided, single submitter. Criteria: Invitae Variant Classification Sherloc (09022015). Collection method: clinical testing. Allele origin: germline.
Comment: This sequence change replaces histidine, which is basic and polar, with proline, which is neutral and non-polar, at codon 2902 of the DMXL2 protein (p.His2902Pro). This variant is present in population databases (rs753811265, gnomAD 0.004%). This variant has not been reported in the literature in individuals affected with DMXL2-related conditions. Algorithms developed to predict the effect of missense changes on protein structure and function (SIFT, PolyPhen-2, Align-GVGD) all suggest that this variant is likely to be tolerated. In summary, the available evidence is currently insufficient to determine the role of this variant in disease. Therefore, it has been classified as a Variant of Uncertain Significance.

NM_001378457.1(DMXL2):c.8768A>C (p.His2923Pro)

Genes: DMXL2 (Dmx like 2; minus strand), LOC126862131 (MED14-independent group 3 enhancer GRCh37_chr15:51741640-51742839; plus strand). Cytogenetic location: 15q21.2.
Variant type: single nucleotide variant.
Coding change: c.8768A>C on transcript NM_001378457.1 (MANE Select); coding-DNA position 8768, A replaced by C.
Protein change: p.His2923Pro; replaces histidine 2923 with proline.
Molecular consequence: missense variant. On other transcripts: non-coding transcript variant (2).
Genome position (GRCh38, 1-based): chr15:51,450,328, T>G on the plus strand (A>C on the coding strand, the complement: DMXL2 is on the minus strand). VCF-style: chr15-51450328-T-G. GRCh37 (hg19) VCF-style: chr15-51742525-T-G.
Other names: c.8705A>C, p.His2902Pro (NM_001174116.3); c.6794A>C, p.His2265Pro (NM_001174117.3); c.8765A>C, p.His2922Pro (NM_001378458.1); c.8480A>C, p.His2827Pro (NM_001378459.1); c.6683A>C, p.His2228Pro (NM_001378460.1); c.8702A>C, p.His2901Pro (NM_015263.5); c.8705A>C (NM_001174116.1); short protein forms H2228P, H2265P, H2827P, H2901P, H2902P, H2922P, H2923P.
Identifiers: ClinVar variation 2415295 (VCV002415295.4), dbSNP rs753811265, ClinGen allele CA7560893.